The following is an entry in ClinVar:

ClinVar aggregate classification (germline): Uncertain significance. Review status: criteria provided, multiple submitters, no conflicts (2 of 4 stars). 2 submissions from 2 submitters: Uncertain significance (2). Last evaluated 2026-05-03.

Conditions:
RASopathy. Also called: Noonan spectrum disorder; rasopathies. Identifiers: Orphanet 536391, MedGen C5555857, MONDO:0021060.
Cardiovascular phenotype. Identifiers: MedGen CN230736.

Submissions (2):

Ambry Genetics
Classification: Uncertain significance for Cardiovascular phenotype. Last evaluated: 2026-05-03. Review status: criteria provided, single submitter. Criteria: Ambry Variant Classification Scheme 2023. Collection method: clinical testing. Allele origin: germline.
Comment: The p.S57T variant (also known as c.169T>A), located in coding exon 1 of the SHOC2 gene, results from a T to A substitution at nucleotide position 169. The serine at codon 57 is replaced by threonine, an amino acid with similar properties. This amino acid position is conserved. In addition, this alteration is predicted to be tolerated by in silico analysis. Based on the available evidence, the clinical significance of this variant remains unclear.

Labcorp Genetics (formerly Invitae), Labcorp
Classification: Uncertain significance for RASopathy. Last evaluated: 2024-05-11. Review status: criteria provided, single submitter. Criteria: Invitae Variant Classification Sherloc (09022015). Collection method: clinical testing. Allele origin: germline.
Comment: This sequence change replaces serine, which is neutral and polar, with threonine, which is neutral and polar, at codon 57 of the SHOC2 protein (p.Ser57Thr). This variant is not present in population databases (gnomAD no frequency). This variant has not been reported in the literature in individuals affected with SHOC2-related conditions. Advanced modeling of protein sequence and biophysical properties (such as structural, functional, and spatial information, amino acid conservation, physicochemical variation, residue mobility, and thermodynamic stability) performed at Invitae indicates that this missense variant is not expected to disrupt SHOC2 protein function with a negative predictive value of 80%. In summary, the available evidence is currently insufficient to determine the role of this variant in disease. Therefore, it has been classified as a Variant of Uncertain Significance.

NM_007373.4(SHOC2):c.169T>A (p.Ser57Thr)

Gene: SHOC2 (SHOC2 leucine rich repeat scaffold protein; plus strand). Cytogenetic location: 10q25.2.
Variant type: single nucleotide variant.
Coding change: c.169T>A on transcript NM_007373.4 (MANE Select); coding-DNA position 169, T replaced by A.
Protein change: p.Ser57Thr; replaces serine 57 with threonine.
Molecular consequence: missense variant.
Genome position (GRCh38, 1-based): chr10:110,964,527, T>A. VCF-style: chr10-110964527-T-A. GRCh37 (hg19) VCF-style: chr10-112724285-T-A.
Other names: c.169T>A, p.Ser57Thr (NM_001269039.3, NM_001324336.2, NM_001324337.2); short protein forms S57T.
Identifiers: ClinVar variation 3669117 (VCV003669117.3).